The following is an entry in ClinVar:

ClinVar aggregate classification (germline): Likely benign. Review status: criteria provided, single submitter (1 of 4 stars). 2 submissions from 2 submitters: Likely benign (1). 1 of the submissions does not count toward it. Last evaluated 2021-12-02.

Allele frequency attached by ClinVar (database versions not stated): TOPMed 0.00001; ExAC 0.00001.
gnomAD v4.1: 4 of 1,614,040 alleles (0.00025%); highest among the groups gnomAD compares: Admixed American, 0.0017%; no homozygotes.

Submissions (2):

Blueprint Genetics
Classification: Likely benign. Last evaluated: 2021-12-02. Review status: criteria provided, single submitter. Criteria: ACMG Guidelines, 2015. Collection method: clinical testing. Allele origin: germline.

Richard Lifton Laboratory, Yale University School of Medicine
Classification: Uncertain significance. Review status: no assertion criteria provided. Collection method: not provided. Allele origin: somatic. Not counted in ClinVar's aggregate classification.
Comment: PTX3
ClinVar note: Converted during submission from unknown to Uncertain significance.

NM_002852.4(PTX3):c.108T>C (p.Asn36=)

Genes: VEPH1 (ventricular zone expressed PH domain containing 1; minus strand), PTX3 (pentraxin 3; plus strand). Cytogenetic location: 3q25.32.
Variant type: single nucleotide variant.
Coding change: c.108T>C on transcript NM_002852.4 (MANE Select); coding-DNA position 108, T replaced by C.
Protein change: p.Asn36=; no amino-acid change (asparagine 36 retained).
Molecular consequence: synonymous variant. On other transcripts: intron variant (3).
Genome position (GRCh38, 1-based): chr3:157,437,041, T>C. VCF-style: chr3-157437041-T-C. GRCh37 (hg19) VCF-style: chr3-157154830-T-C.
Other names: c.530-8553A>G (NM_001167911.2, NM_001167912.2, NM_024621.2).
Identifiers: ClinVar variation 91946 (VCV000091946.3), dbSNP rs386352354, ClinGen allele CA232217.